The following is an entry in ClinVar:

ClinVar aggregate classification (germline): Uncertain significance (1 of 4 stars; one submission).

Conditions:
RBFOX1-related disorder. Also called: RBFOX1-related condition.

Allele frequency attached by ClinVar (database versions not stated): TOPMed below 0.00001.

Submission:

PreventionGenetics, part of Exact Sciences
Classification: Uncertain significance for RBFOX1-related condition. Last evaluated: 2023-09-20. Review status: criteria provided, single submitter. Criteria: ACMG Guidelines, 2015. Collection method: clinical testing. Allele origin: germline.
Comment: The RBFOX1 c.464A>T variant is predicted to result in the amino acid substitution p.Gln155Leu. To our knowledge, this variant has not been reported in the literature or in a large population database, indicating this variant is rare. At this time, the clinical significance of this variant is uncertain due to the absence of conclusive functional and genetic evidence.

NM_018723.4(RBFOX1):c.404A>T (p.Gln135Leu)

Genes: RBFOX1 (RNA binding fox-1 homolog 1; plus strand), LOC126862278 (CDK7 strongly-dependent group 2 enhancer GRCh37_chr16:7629446-7630645; plus strand). Cytogenetic location: 16p13.3.
Variant type: single nucleotide variant.
Coding change: c.404A>T on transcript NM_018723.4 (MANE Select); coding-DNA position 404, A replaced by T.
Protein change: p.Gln135Leu; replaces glutamine 135 with leucine.
Molecular consequence: missense variant.
Genome position (GRCh38, 1-based): chr16:7,579,910, A>T. VCF-style: chr16-7579910-A-T. GRCh37 (hg19) VCF-style: chr16-7629912-A-T.
Other names: c.404A>T, p.Gln135Leu (NM_001142333.2, NM_001142334.2, NM_001364800.2 and 1 more transcripts); c.533A>T, p.Gln178Leu (NM_001308117.1, NM_001411047.1, NM_001415891.1 and 5 more transcripts); c.1001A>T, p.Gln334Leu (NM_001415887.1, NM_001415888.1); c.512A>T, p.Gln171Leu (NM_001415889.1, NM_001415892.1, NM_001415894.1 and 5 more transcripts); c.479A>T, p.Gln160Leu (NM_001415890.1, NM_001415893.1, NM_001415899.1 and 4 more transcripts); c.464A>T, p.Gln155Leu (NM_001415896.1, NM_001415904.1, NM_001415906.1 and 4 more transcripts); c.410A>T, p.Gln137Leu (NM_001415902.1, NM_001415911.1, NM_001415917.1); short protein forms Q135L, Q137L, Q155L, Q160L, Q171L, Q178L, Q334L.
Identifiers: ClinVar variation 2631097 (VCV002631097.1), dbSNP rs1165813698, ClinGen allele CA394682604.